The following is an entry in ClinVar:

ClinVar aggregate classification (germline): Pathogenic/Likely pathogenic. Review status: criteria provided, multiple submitters, no conflicts (2 of 4 stars). 5 submissions from 5 submitters: Pathogenic (2); Likely pathogenic (2). 1 of the submissions does not count toward it. Last evaluated 2024-08-13.

Conditions:
Hereditary cancer-predisposing syndrome. Also called: Tumor predisposition; Hereditary Cancer Syndrome; Neoplastic Syndromes, Hereditary; Hereditary neoplastic syndrome. Identifiers: Orphanet 140162, MedGen C0027672, MeSH D009386, MONDO:0015356.
Cardiovascular phenotype. Identifiers: MedGen CN230736.
Neurofibromatosis, type 1 (NF1). Also called: Peripheral type neurofibromatosis; VON RECKLINGHAUSEN DISEASE; NEUROFIBROMATOSIS, TYPE I, SOMATIC; Neurofibromatosis, type I. Identifiers: Orphanet 636, MedGen C0027831, MONDO:0018975, OMIM 162200. Disease mechanism: loss of function.

Submissions (5):

Ambry Genetics
Classification: Pathogenic for Cardiovascular phenotype; Hereditary cancer-predisposing syndrome. Last evaluated: 2024-08-13. Review status: criteria provided, single submitter. Criteria: Ambry Variant Classification Scheme 2023. Collection method: clinical testing. Allele origin: germline.
Comment: The p.H781P pathogenic mutation (also known as c.2342A>C), located in coding exon 20 of the NF1 gene, results from an A to C substitution at nucleotide position 2342. The histidine at codon 781 is replaced by proline, an amino acid with similar properties. This variant was reported in multiple individuals with features consistent with neurofibromatosis type 1 (Fahsold R et al. Am J Hum Genet, 2000 Mar;66:790-818; Cal&igrave; F et al. Eur J Med Genet, 2017 Feb;60:93-99; Roka K et al. Pediatr Blood Cancer, 2023 Apr;:e30364). This amino acid position is well conserved in available vertebrate species. In addition, this alteration is predicted to be deleterious by in silico analysis. This variant is considered to be rare based on population cohorts in the Genome Aggregation Database (gnomAD). Based on the supporting evidence, this variant is interpreted as a disease-causing mutation.

GeneDx
Classification: Likely pathogenic. Last evaluated: 2023-10-27. Review status: criteria provided, single submitter. Criteria: GeneDx Variant Classification Process June 2021. Collection method: clinical testing. Allele origin: germline. Affected: yes.
Comment: Not observed at significant frequency in large population cohorts (gnomAD); In silico analysis supports that this missense variant has a deleterious effect on protein structure/function; This variant is associated with the following publications: (PMID: 24803665, 27838393, 10712197, 27535533, 25486365)

Labcorp Genetics (formerly Invitae), Labcorp
Classification: Likely pathogenic for Neurofibromatosis, type 1. Last evaluated: 2023-04-17. Review status: criteria provided, single submitter. Criteria: Invitae Variant Classification Sherloc (09022015). Collection method: clinical testing. Allele origin: germline.
Comment: In summary, the currently available evidence indicates that the variant is pathogenic, but additional data are needed to prove that conclusively. Therefore, this variant has been classified as Likely Pathogenic. Advanced modeling of protein sequence and biophysical properties (such as structural, functional, and spatial information, amino acid conservation, physicochemical variation, residue mobility, and thermodynamic stability) has been performed at Invitae for this missense variant, however the output from this modeling did not meet the statistical confidence thresholds required to predict the impact of this variant on NF1 protein function. ClinVar contains an entry for this variant (Variation ID: 68317). This missense change has been observed in individual(s) with neurofibromatosis type 1 (PMID: 10712197, 27838393). This variant is not present in population databases (gnomAD no frequency). This sequence change replaces histidine, which is basic and polar, with proline, which is neutral and non-polar, at codon 781 of the NF1 protein (p.His781Pro).

Victorian Clinical Genetics Services, Murdoch Childrens Research Institute
Classification: Pathogenic for Neurofibromatosis, type 1. Last evaluated: 2020-06-11. Review status: criteria provided, single submitter. Criteria: ACMG Guidelines, 2015. Collection method: clinical testing. Allele origin: germline. Inheritance: Autosomal dominant inheritance. Affected: yes.
Comment: Based on the classification scheme VCGS_Germline_v1.1.1, this variant is classified as pathogenic. Following criteria are met: 0102 - Loss-of-function is a known mechanism of disease for this gene. (N) 0107 - This gene is known to be associated with autosomal dominant disease. (N) 0200 - Variant is predicted to result in a missense amino acid change from histidine to proline (exon 20). (N) 0251 - Variant is heterozygous. (N) 0301 - Variant is absent from gnomAD. (P) 0309 - An alternative amino acid change at the same position has been observed in gnomAD (1 heterozygote, 0 homozygotes). (N) 0502 - Missense variant with conflicting in silico predictions and/or uninformative conservation. (N) 0604 - Variant is not located in an established domain, motif, hotspot or informative constraint region. (N) 0708 - Comparable variants (p.His781Arg, p.His781Leu) have been previously reported as VUS (ClinVar). (N) 0801 - Strong previous evidence of pathogenicity. This variant has been reported as a VUS (ClinVar) and pathogenic (LOVD), and has been observed in multiple de novo patients with neurofibromatosis type I (LOVD, PMID: 27838393, PMID: 10712197). (P) 0905 - No segregation evidence has been identified for this variant. (N) 1007 - No published functional evidence has been identified for this variant. (N) 1208 - Inheritance information for this variant is not currently available. (N) Legend: (P) - Pathogenic, (N) - Neutral, (B) - Benign

UniProtKB/Swiss-Prot
No classification provided. Review status: no classification provided. Collection method: not provided. Allele origin: not provided. Not counted in ClinVar's aggregate classification.

Literature cited by the submitters: PubMed 10712197 (cited by 3 submitters); PubMed 27838393 (cited by 3 submitters); PubMed 37057739 (cited by Ambry Genetics).

NM_001042492.3(NF1):c.2342A>C (p.His781Pro)

Gene: NF1 (neurofibromin 1; plus strand). Cytogenetic location: 17q11.2.
Variant type: single nucleotide variant.
Coding change: c.2342A>C on transcript NM_001042492.3 (MANE Select); coding-DNA position 2342, A replaced by C.
Protein change: p.His781Pro; replaces histidine 781 with proline.
Molecular consequence: missense variant.
Genome position (GRCh38, 1-based): chr17:31,227,539, A>C. VCF-style: chr17-31227539-A-C. GRCh37 (hg19) VCF-style: chr17-29554557-A-C.
Other names: c.2342A>C, p.His781Pro (NM_000267.4); short protein forms H781P.
Identifiers: ClinVar variation 68317 (VCV000068317.9), dbSNP rs199474763, ClinGen allele CA219453.